The following is an entry in ClinVar:

ClinVar aggregate classification (germline): Uncertain significance (1 of 4 stars; one submission).

gnomAD v4.1: 3 of 1,606,776 alleles (0.00019%); highest among the groups gnomAD compares: African/African-American, 0.0013%; no homozygotes.

Submission:

Labcorp Genetics (formerly Invitae), Labcorp
Classification: Uncertain significance. Last evaluated: 2025-08-11. Review status: criteria provided, single submitter. Criteria: Invitae Variant Classification Sherloc (09022015). Collection method: clinical testing. Allele origin: germline.
Comment: This sequence change falls in intron 13 of the TFRC gene. It does not directly change the encoded amino acid sequence of the TFRC protein. It affects a nucleotide within the consensus splice site. This variant is not present in population databases (gnomAD no frequency). This variant has not been reported in the literature in individuals affected with TFRC-related conditions. Variants that disrupt the consensus splice site are a relatively common cause of aberrant splicing (PMID: 17576681, 9536098). Algorithms developed to predict the effect of sequence changes on RNA splicing suggest that this variant is not likely to affect RNA splicing. In summary, the available evidence is currently insufficient to determine the role of this variant in disease. Therefore, it has been classified as a Variant of Uncertain Significance.

Literature cited by the submitters: PubMed 17576681; PubMed 9536098.

NM_001128148.3(TFRC):c.1468+4A>C

Gene: TFRC (transferrin receptor; minus strand). Cytogenetic location: 3q29.
Variant type: single nucleotide variant.
Coding change: c.1468+4A>C on transcript NM_001128148.3 (MANE Select); 4 bases into the intron after coding-DNA position 1468, A replaced by C.
Molecular consequence: intron variant.
Genome position (GRCh38, 1-based): chr3:196,062,578, T>G on the plus strand (A>C on the coding strand, the complement: TFRC is on the minus strand). VCF-style: chr3-196062578-T-G. GRCh37 (hg19) VCF-style: chr3-195789449-T-G.
Other names: c.622+4A>C (NM_001313966.2); c.1225+4A>C (NM_001313965.2); c.1468+4A>C (NM_003234.4).
Identifiers: ClinVar variation 4748498 (VCV004748498.1).
Genomic context (GRCh38, chr3:196,062,578, plus strand): 5'-AGCAAAACTCCATCTCAAAAAAGTTTACCTGAATTCATACACAGCTAATGAAAGGGATAC[T>G]TACCAAGAACCGCTTTATCCAGATTAATATAAGTGAAAGCCTTTAAATGCAGGGACGAAA-3'